The following is an entry in ClinVar:

NM_138694.4(PKHD1):c.1603-1G>A

Gene: PKHD1 (PKHD1 ciliary IPT domain containing fibrocystin/polyductin; minus strand). Cytogenetic location: 6p12.2.
Variant type: single nucleotide variant.
Coding change: c.1603-1G>A on transcript NM_138694.4 (MANE Select); the canonical splice acceptor site of the intron before coding-DNA position 1603, G replaced by A.
Molecular consequence: splice acceptor variant.
Genome position (GRCh38, 1-based): chr6:52,056,789, C>T on the plus strand (G>A on the coding strand, the complement: PKHD1 is on the minus strand). VCF-style: chr6-52056789-C-T. GRCh37 (hg19) VCF-style: chr6-51921587-C-T.
Other names: c.1603-1G>A (NM_170724.3).
Identifiers: ClinVar variation 5010176 (VCV005010176.1).

ClinVar aggregate classification (germline): Pathogenic (1 of 4 stars; one submission).

Conditions:
Polycystic kidney disease 4 (PKD4). Also called: Autosomal Recessive Polycystic Kidney Disease – PKHD1; POLYCYSTIC KIDNEY AND HEPATIC DISEASE 1; POLYCYSTIC KIDNEY DISEASE, INFANTILE, TYPE I; POLYCYSTIC KIDNEY DISEASE 4 WITH OR WITHOUT POLYCYSTIC LIVER DISEASE; PKD3. Identifiers: MedGen C4540575, MONDO:0033004, OMIM 263200.

gnomAD v4.1: 1 of 1,611,356 alleles (0.000062%); highest among the groups gnomAD compares: Non-Finnish European, 0.000085%; no homozygotes.

Submission:

MVZ Medizinische Genetik Mainz
Classification: Pathogenic for Polycystic kidney disease 4. Last evaluated: 2026-09-09. Review status: criteria provided, single submitter. Criteria: UK Practice Guidelines For Variant Classification V4 01 2020. Collection method: clinical testing. Allele origin: germline. Inheritance: Autosomal recessive inheritance. Affected: yes. Observed: 1 variant allele.
Comment: ACMG Criteria: PVS1,PS1_SUP,PM2_SUP,PM3_SUP,PP4